The following is an entry in ClinVar:

ClinVar aggregate classification (germline): Conflicting classifications of pathogenicity. Review status: criteria provided, conflicting classifications (1 of 4 stars). 2 submissions from 2 submitters: Pathogenic (1); Uncertain significance (1). Last evaluated 2022-03-24.

Allele frequency attached by ClinVar (database versions not stated): gnomAD exomes below 0.00001; ExAC 0.00001; gnomAD 0.00001; TOPMed 0.00001.

Submissions (2):

Labcorp Genetics (formerly Invitae), Labcorp
Classification: Pathogenic. Last evaluated: 2022-03-24. Review status: criteria provided, single submitter. Criteria: Invitae Variant Classification Sherloc (09022015). Collection method: clinical testing. Allele origin: germline.
Comment: For these reasons, this variant has been classified as Pathogenic. ClinVar contains an entry for this variant (Variation ID: 1204164). This premature translational stop signal has been observed in individual(s) with autosomal recessive deafness (PMID: 26969326). This variant is present in population databases (rs764570434, gnomAD 0.0008%). This sequence change creates a premature translational stop signal (p.Ile1556Serfs*9) in the TECTA gene. It is expected to result in an absent or disrupted protein product. Loss-of-function variants in TECTA are known to be pathogenic (PMID: 11087000, 12746400, 17431902, 24130743).

GeneDx
Classification: Uncertain significance. Last evaluated: 2020-01-15. Review status: criteria provided, single submitter. Criteria: GeneDx Variant Classification Process June 2021. Collection method: clinical testing. Allele origin: germline. Affected: yes.
Comment: Frameshift variant predicted to result in protein truncation or nonsense mediated decay in a gene for which loss-of-function is a known mechanism of disease; Identified by a next-generation sequencing panel in a proband with sporadic congenital mild-to-moderate bilateral hearing loss in published literature (Sloan-Heggen et al., 2016) who also harbored a missense variant in TECTA, the phase of which was unknown; This variant is associated with the following publications: (PMID: 26969326)

Literature cited by the submitters: PubMed 26969326 (cited by Labcorp Genetics (formerly Invitae), Labcorp); PubMed 11087000 (cited by Labcorp Genetics (formerly Invitae), Labcorp); PubMed 12746400 (cited by Labcorp Genetics (formerly Invitae), Labcorp); PubMed 17431902 (cited by Labcorp Genetics (formerly Invitae), Labcorp); PubMed 24130743 (cited by Labcorp Genetics (formerly Invitae), Labcorp).

NM_005422.4(TECTA):c.4665del (p.Ile1556fs)

Genes: TBCEL-TECTA (TBCEL-TECTA readthrough; plus strand), TECTA (tectorin alpha; plus strand). Cytogenetic location: 11q23.3.
Variant type: Deletion.
Coding change: c.4665del on transcript NM_005422.4 (MANE Select); coding-DNA position 4665, one base deleted (C; older notation c.4665delC).
Protein change: p.Ile1556fs; shifts the reading frame from isoleucine 1556.
Molecular consequence: frameshift variant.
Genome position (GRCh38, 1-based): chr11:121,158,200, C deleted. VCF-style (leftmost placement, unchanged base first): chr11-121158199-TC-T. GRCh37 (hg19) VCF-style: chr11-121028908-TC-T.
Other names: c.5622del, p.Ile1875fs (NM_001378761.1); short protein forms I1556fs, I1875fs.
Identifiers: ClinVar variation 1204164 (VCV001204164.8), dbSNP rs764570434, ClinGen allele CA6327512.